The following is an entry in ClinVar:

NM_002291.3(LAMB1):c.1846T>C (p.Tyr616His)

Gene: LAMB1 (laminin subunit beta 1; minus strand). Cytogenetic location: 7q31.1.
Variant type: single nucleotide variant.
Coding change: c.1846T>C on transcript NM_002291.3 (MANE Select); coding-DNA position 1846, T replaced by C.
Protein change: p.Tyr616His; replaces tyrosine 616 with histidine.
Molecular consequence: missense variant.
Genome position (GRCh38, 1-based): chr7:107,962,916, A>G on the plus strand (T>C on the coding strand, the complement: LAMB1 is on the minus strand). VCF-style: chr7-107962916-A-G. GRCh37 (hg19) VCF-style: chr7-107603361-A-G.
Other names: short protein forms Y616H.
Identifiers: ClinVar variation 1715555 (VCV001715555.5), dbSNP rs2033541220, ClinGen allele CA368870515.

ClinVar aggregate classification (germline): Uncertain significance (1 of 4 stars; one submission).

Allele frequency attached by ClinVar (database versions not stated): TOPMed below 0.00001.

Submission:

Labcorp Genetics (formerly Invitae), Labcorp
Classification: Uncertain significance. Last evaluated: 2025-08-18. Review status: criteria provided, single submitter. Criteria: Invitae Variant Classification Sherloc (09022015). Collection method: clinical testing. Allele origin: germline.
Comment: This sequence change replaces tyrosine, which is neutral and polar, with histidine, which is basic and polar, at codon 616 of the LAMB1 protein (p.Tyr616His). This variant is not present in population databases (gnomAD no frequency). This variant has not been reported in the literature in individuals affected with LAMB1-related conditions. ClinVar contains an entry for this variant (Variation ID: 1715555). An algorithm developed to predict the effect of missense changes on protein structure and function (PolyPhen-2) suggests that this variant is likely to be disruptive. In summary, the available evidence is currently insufficient to determine the role of this variant in disease. Therefore, it has been classified as a Variant of Uncertain Significance.